The following is an entry in ClinVar:

ClinVar aggregate classification (germline): Uncertain significance (1 of 4 stars; one submission).

Submission:

Labcorp Genetics (formerly Invitae), Labcorp
Classification: Uncertain significance. Last evaluated: 2023-08-17. Review status: criteria provided, single submitter. Criteria: Invitae Variant Classification Sherloc (09022015). Collection method: clinical testing. Allele origin: germline.
Comment: This sequence change replaces threonine, which is neutral and polar, with proline, which is neutral and non-polar, at codon 341 of the KMT2A protein (p.Thr341Pro). This variant is not present in population databases (gnomAD no frequency). This variant has not been reported in the literature in individuals affected with KMT2A-related conditions. ClinVar contains an entry for this variant (Variation ID: 1348737). Advanced modeling of protein sequence and biophysical properties (such as structural, functional, and spatial information, amino acid conservation, physicochemical variation, residue mobility, and thermodynamic stability) performed at Invitae indicates that this missense variant is not expected to disrupt KMT2A protein function. In summary, the available evidence is currently insufficient to determine the role of this variant in disease. Therefore, it has been classified as a Variant of Uncertain Significance.

NM_001197104.2(KMT2A):c.1021A>C (p.Thr341Pro)

Gene: KMT2A (lysine methyltransferase 2A; plus strand). Cytogenetic location: 11q23.3.
Variant type: single nucleotide variant.
Coding change: c.1021A>C on transcript NM_001197104.2 (MANE Select); coding-DNA position 1021, A replaced by C.
Protein change: p.Thr341Pro; replaces threonine 341 with proline.
Molecular consequence: missense variant.
Genome position (GRCh38, 1-based): chr11:118,472,180, A>C. VCF-style: chr11-118472180-A-C. GRCh37 (hg19) VCF-style: chr11-118342895-A-C.
Other names: c.1021A>C, p.Thr341Pro (NM_005933.4); short protein forms T341P.
Identifiers: ClinVar variation 1348737 (VCV001348737.8), dbSNP rs2134259675, ClinGen allele CA382808872.